The following is an entry in ClinVar:

ClinVar aggregate classification (germline): Likely pathogenic (1 of 4 stars; one submission).

Conditions:
Congenital stationary night blindness 1B. Also called: NIGHT BLINDNESS, CONGENITAL STATIONARY, COMPLETE, AUTOSOMAL RECESSIVE; Night blindness, congenital stationary (complete), 1B, autosomal recessive. Identifiers: Orphanet 215, MedGen C1850362, MONDO:0009758, OMIM 257270.

Submission:

Juno Genomics, Hangzhou Juno Genomics, Inc
Classification: Likely pathogenic for Congenital stationary night blindness 1B. Review status: criteria provided, single submitter. Criteria: ACMG Guidelines, 2015. Collection method: clinical testing. Allele origin: germline.
Comment: Null variant in a gene where loss of function (LOF) is a known mechanism of disease.;Absent from controls (or at extremely low frequency if recessive) in Genome Aggregation Database.

NM_000843.4(GRM6):c.942del (p.Ile316fs)

Gene: GRM6 (glutamate metabotropic receptor 6; minus strand). Cytogenetic location: 5q35.3.
Variant type: Deletion.
Coding change: c.942del on transcript NM_000843.4 (MANE Select); coding-DNA position 942, one base deleted (A; older notation c.942delA).
Protein change: p.Ile316fs; shifts the reading frame from isoleucine 316.
Molecular consequence: frameshift variant.
Genome position (GRCh38, 1-based): chr5:178,990,662, T deleted on the plus strand (A on the coding strand, the reverse complement: GRM6 is on the minus strand). VCF-style (leftmost placement, unchanged base first): chr5-178990661-GT-G. GRCh37 (hg19) VCF-style: chr5-178417662-GT-G.
Other names: short protein forms I316fs.
Identifiers: ClinVar variation 5006878 (VCV005006878.2).